The following is an entry in ClinVar:

ClinVar aggregate classification (germline): Pathogenic/Likely pathogenic. Review status: criteria provided, multiple submitters, no conflicts (2 of 4 stars). 2 submissions from 2 submitters: Pathogenic (1); Likely pathogenic (1). Last evaluated 2019-10-05.

Submissions (2):

Labcorp Genetics (formerly Invitae), Labcorp
Classification: Pathogenic. Last evaluated: 2019-10-05. Review status: criteria provided, single submitter. Criteria: Invitae Variant Classification Sherloc (09022015). Collection method: clinical testing. Allele origin: germline.
Comment: This sequence change creates a premature translational stop signal (p.Thr458Profs*6) in the FOXP2 gene. It is expected to result in an absent or disrupted protein product. This variant is not present in population databases (ExAC no frequency). This variant has not been reported in the literature in individuals with FOXP2-related conditions. ClinVar contains an entry for this variant (Variation ID: 504170). Loss-of-function variants in FOXP2 are known to be pathogenic (PMID: 15877281, 16984964, 23918746). For these reasons, this variant has been classified as Pathogenic.

GeneDx
Classification: Likely pathogenic. Last evaluated: 2018-01-31. Review status: criteria provided, single submitter. Criteria: GeneDx Variant Classification (06012015). Collection method: clinical testing. Allele origin: germline. Affected: yes.
Comment: The c.1371delT variant has not been published as a pathogenic variant, nor has it been reported as a benign variant to our knowledge. The c.1371delT variant is not observed in large population cohorts (Lek et al., 2016). The c.1371delT variant causes a frameshift starting with codon Threonine 458, changes this amino acid to a Proline residue, and creates a premature Stop codon at position 6 of the new reading frame, denoted p.Thr458ProfsX6. This variant is predicted to cause loss of normal protein function either through protein truncation or nonsense-mediated mRNA decay. Therefore, this variant is likely pathogenic; however, the possibility that it is benign cannot be excluded.

Literature cited by the submitters: PubMed 15877281 (cited by Labcorp Genetics (formerly Invitae), Labcorp); PubMed 16984964 (cited by Labcorp Genetics (formerly Invitae), Labcorp); PubMed 23918746 (cited by Labcorp Genetics (formerly Invitae), Labcorp).

NM_014491.4(FOXP2):c.1371del (p.Thr458fs)

Gene: FOXP2 (forkhead box P2; plus strand). Cytogenetic location: 7q31.1.
Variant type: Deletion.
Coding change: c.1371del on transcript NM_014491.4 (MANE Select); coding-DNA position 1371, one base deleted (T; older notation c.1371delT).
Protein change: p.Thr458fs; shifts the reading frame from threonine 458.
Molecular consequence: frameshift variant. On other transcripts: non-coding transcript variant (1).
Genome position (GRCh38, 1-based): chr7:114,658,170, T deleted; the last of 2 consecutive T bases (chr7:114,658,169-114,658,170); deleting either gives the same sequence. VCF-style (leftmost placement, unchanged base first): chr7-114658168-AT-A. GRCh37 (hg19) VCF-style: chr7-114298223-AT-A.
Other names: c.1371del (NM_014491.3); c.1368del, p.Thr457fs (NM_001172766.3); c.1446del, p.Thr483fs (NM_148898.4); c.1422del, p.Thr475fs (NM_148900.4); short protein forms T458fs, T483fs, T475fs, T457fs.
Identifiers: ClinVar variation 504170 (VCV000504170.9), dbSNP rs1554440713, ClinGen allele CA658796993.